The following is an entry in ClinVar:

NM_003072.5(SMARCA4):c.1951G>A (p.Val651Ile)

Gene: SMARCA4 (SWI/SNF related BAF chromatin remodeling complex subunit ATPase 4; plus strand). Cytogenetic location: 19p13.2.
Variant type: single nucleotide variant.
Coding change: c.1951G>A on transcript NM_003072.5 (MANE Select); coding-DNA position 1951, G replaced by A.
Protein change: p.Val651Ile; replaces valine 651 with isoleucine.
Molecular consequence: missense variant. On other transcripts: non-coding transcript variant (1).
Genome position (GRCh38, 1-based): chr19:11,003,347, G>A. VCF-style: chr19-11003347-G-A. GRCh37 (hg19) VCF-style: chr19-11114023-G-A.
Other names: c.1951G>A, p.Val651Ile (NM_001128844.3, NM_001128845.2, NM_001128846.2 and 6 more transcripts); short protein forms V651I.
Identifiers: ClinVar variation 4825123 (VCV004825123.1).

ClinVar aggregate classification (germline): Uncertain significance (1 of 4 stars; one submission).

Conditions:
Hereditary cancer-predisposing syndrome. Also called: Neoplastic Syndromes, Hereditary; Tumor predisposition; Hereditary Cancer Syndrome; Hereditary neoplastic syndrome. Identifiers: Orphanet 140162, MedGen C0027672, MeSH D009386, MONDO:0015356.

gnomAD v4.1: 2 of 1,613,988 alleles (0.00012%); highest among the groups gnomAD compares: Non-Finnish European, 0.00017%; no homozygotes.

Submission:

Ambry Genetics
Classification: Uncertain significance for Hereditary cancer-predisposing syndrome. Last evaluated: 2026-02-15. Review status: criteria provided, single submitter. Criteria: Ambry Variant Classification Scheme 2023. Collection method: clinical testing. Allele origin: germline.
Comment: The p.V651I variant (also known as c.1951G>A), located in coding exon 12 of the SMARCA4 gene, results from a G to A substitution at nucleotide position 1951. The valine at codon 651 is replaced by isoleucine, an amino acid with highly similar properties. This amino acid position is conserved. In addition, this alteration is predicted to be tolerated by in silico analysis. Based on the available evidence, the clinical significance of this variant remains unclear.